The following is an entry in ClinVar:

ClinVar aggregate classification (germline): Uncertain significance. Review status: criteria provided, multiple submitters, no conflicts (2 of 4 stars). 2 submissions from 2 submitters: Uncertain significance (2). Last evaluated 2026-06-03.

Conditions:
Cohen syndrome (COH1). Also called: Cutis verticis gyrata, retinitis pigmentosa, and sensorineural deafness; PEPPER SYNDROME. Identifiers: Orphanet 193, MedGen C0265223, MONDO:0008999, OMIM 216550.
VPS13B-related disorder. Also called: VPS13B-related condition.

Allele frequency attached by ClinVar (database versions not stated): gnomAD exomes 0.00001; TOPMed 0.00001.
gnomAD v4.1: 14 of 1,613,898 alleles (0.00087%); highest among the groups gnomAD compares: Admixed American, 0.0017%; no homozygotes.

Submissions (2):

PreventionGenetics, part of Exact Sciences
Classification: Uncertain significance for VPS13B-related condition. Last evaluated: 2026-06-03. Review status: criteria provided, single submitter. Criteria: ACMG Guidelines, 2015. Collection method: clinical testing. Allele origin: germline.
Comment: The VPS13B c.9572C>G variant is predicted to result in the amino acid substitution p.Ala3191Gly. To our knowledge, this variant has not been reported in the literature or in a large population database (gnomAD), indicating this variant is rare. At this time, the clinical significance of this variant is uncertain due to the absence of conclusive functional and genetic evidence.

Labcorp Genetics (formerly Invitae), Labcorp
Classification: Uncertain significance for Cohen syndrome. Last evaluated: 2022-07-11. Review status: criteria provided, single submitter. Criteria: Invitae Variant Classification Sherloc (09022015). Collection method: clinical testing. Allele origin: germline.
Comment: This sequence change replaces alanine, which is neutral and non-polar, with glycine, which is neutral and non-polar, at codon 3216 of the VPS13B protein (p.Ala3216Gly). This variant is not present in population databases (gnomAD no frequency). This variant has not been reported in the literature in individuals affected with VPS13B-related conditions. ClinVar contains an entry for this variant (Variation ID: 1381516). Algorithms developed to predict the effect of missense changes on protein structure and function are either unavailable or do not agree on the potential impact of this missense change (SIFT: "Not Available"; PolyPhen-2: "Benign"; Align-GVGD: "Not Available"). In summary, the available evidence is currently insufficient to determine the role of this variant in disease. Therefore, it has been classified as a Variant of Uncertain Significance.

NM_152564.5(VPS13B):c.9572C>G (p.Ala3191Gly)

Gene: VPS13B (vacuolar protein sorting 13 homolog B; plus strand). Cytogenetic location: 8q22.2.
Variant type: single nucleotide variant.
Coding change: c.9572C>G on transcript NM_152564.5 (MANE Select); coding-DNA position 9572, C replaced by G.
Protein change: p.Ala3191Gly; replaces alanine 3191 with glycine.
Molecular consequence: missense variant.
Genome position (GRCh38, 1-based): chr8:99,832,610, C>G. VCF-style: chr8-99832610-C-G. GRCh37 (hg19) VCF-style: chr8-100844838-C-G.
Other names: c.9647C>G, p.Ala3216Gly (NM_017890.5); c.9572C>G (NM_152564.4); short protein forms A3191G, A3216G.
Identifiers: ClinVar variation 1381516 (VCV001381516.4), dbSNP rs1815140494, ClinGen allele CA371781931.